The following is an entry in ClinVar:

ClinVar aggregate classification (germline): Uncertain significance. Review status: criteria provided, multiple submitters, no conflicts (2 of 4 stars). 3 submissions from 3 submitters: Uncertain significance (2). 1 of the submissions does not count toward it. Last evaluated 2022-06-26.

Conditions:
Hearing impairment. Also called: Impaired Hearing. Identifiers: MedGen C1384666, MONDO:0005365, HP:0000365.
Usher syndrome type 1 (USH1). Also called: RETINITIS PIGMENTOSA AND CONGENITAL DEAFNESS. Identifiers: Orphanet 231169, Orphanet 886, MedGen C1568247, MONDO:0010168, OMIM 276900.

Allele frequency attached by ClinVar (database versions not stated): ExAC 0.00005; gnomAD 0.00005 and 0.00006; gnomAD exomes 0.00003 and 0.00005; TOPMed 0.00005.
gnomAD v4.1: 47 of 1,611,192 alleles (0.0029%); highest among the groups gnomAD compares: East Asian, 0.018%; no homozygotes.

Submissions (3):

Labcorp Genetics (formerly Invitae), Labcorp
Classification: Uncertain significance. Last evaluated: 2022-06-26. Review status: criteria provided, single submitter. Criteria: Invitae Variant Classification Sherloc (09022015). Collection method: clinical testing. Allele origin: germline.
Comment: This sequence change replaces threonine, which is neutral and polar, with methionine, which is neutral and non-polar, at codon 3314 of the CDH23 protein (p.Thr3314Met). This variant is present in population databases (rs559427378, gnomAD 0.04%). This variant has not been reported in the literature in individuals affected with CDH23-related conditions. ClinVar contains an entry for this variant (Variation ID: 1045257). Algorithms developed to predict the effect of missense changes on protein structure and function are either unavailable or do not agree on the potential impact of this missense change (SIFT: "Deleterious"; PolyPhen-2: "Not Available"; Align-GVGD: "Class C0"). In summary, the available evidence is currently insufficient to determine the role of this variant in disease. Therefore, it has been classified as a Variant of Uncertain Significance.

Department of Otolaryngology – Head & Neck Surgery, Cochlear Implant Center
Classification: Uncertain significance for Hearing impairment. Last evaluated: 2021-04-12. Review status: criteria provided, single submitter. Criteria: ClinGen HL ACMG Specifications v1. Collection method: clinical testing. Allele origin: germline. Affected: yes.
Comment: PM2_Moderate, PP3_Supporting

Natera, Inc.
Classification: Uncertain significance for Usher syndrome type 1. Last evaluated: 2020-08-22. Review status: no assertion criteria provided. Collection method: clinical testing. Allele origin: germline. Not counted in ClinVar's aggregate classification.

NM_022124.6(CDH23):c.9941C>T (p.Thr3314Met)

Gene: CDH23 (cadherin related 23; plus strand). Cytogenetic location: 10q22.1.
Variant type: single nucleotide variant.
Coding change: c.9941C>T on transcript NM_022124.6 (MANE Select); coding-DNA position 9941, C replaced by T.
Protein change: p.Thr3314Met; replaces threonine 3314 with methionine.
Molecular consequence: missense variant.
Genome position (GRCh38, 1-based): chr10:71,815,154, C>T. VCF-style: chr10-71815154-C-T. GRCh37 (hg19) VCF-style: chr10-73574911-C-T.
Other names: c.3221C>T, p.Thr1074Met (NM_001171933.1); c.3116C>T, p.Thr1039Met (NM_001171934.1); c.632C>T, p.Thr211Met (NM_001171935.1); c.527C>T, p.Thr176Met (NM_001171936.1); short protein forms T1039M, T211M, T1074M, T176M, T3314M.
Identifiers: ClinVar variation 1045257 (VCV001045257.6), dbSNP rs559427378, ClinGen allele CA5547222.